The following is an entry in ClinVar:

ClinVar aggregate classification (germline): Uncertain significance. Review status: criteria provided, multiple submitters, no conflicts (2 of 4 stars). 4 submissions from 4 submitters: Uncertain significance (4). Last evaluated 2026-04-03.

Conditions:
POLE-related disorder. Also called: POLE-related condition; POLE-related disorders.
Hereditary cancer-predisposing syndrome. Also called: Neoplastic Syndromes, Hereditary; Hereditary Cancer Syndrome; Tumor predisposition; Hereditary neoplastic syndrome. Identifiers: Orphanet 140162, MedGen C0027672, MeSH D009386, MONDO:0015356.

Allele frequency attached by ClinVar (database versions not stated): gnomAD 0.00001; gnomAD exomes 0.00001 and 0.00003; TOPMed 0.00001; ExAC 0.00002.
gnomAD v4.1: 20 of 1,613,324 alleles (0.0012%); highest among the groups gnomAD compares: South Asian, 0.0033%; no homozygotes.

Submissions (4):

PreventionGenetics, part of Exact Sciences
Classification: Uncertain significance for POLE-related condition. Last evaluated: 2026-04-03. Review status: criteria provided, single submitter. Criteria: ACMG Guidelines, 2015. Collection method: clinical testing. Allele origin: germline.
Comment: The POLE c.833C>T variant is predicted to result in the amino acid substitution p.Thr278Met. This variant was reported in an individual with pancreatic cancer (Cheng et al. 2024. PubMed ID: 38350919). It is reported in 0.0044% of alleles in individuals of European (Non-Finnish) descent in gnomAD and is classified as uncertain in ClinVar (Variation ID: 486115). At this time, the clinical significance of this variant is uncertain due to the absence of conclusive functional and genetic evidence.

Center for Genomic Medicine, Rigshospitalet, Copenhagen University Hospital
Classification: Uncertain significance. Last evaluated: 2025-12-29. Review status: criteria provided, single submitter. Criteria: ACMG Guidelines, 2015. Collection method: clinical testing. Allele origin: germline.

Labcorp Genetics (formerly Invitae), Labcorp
Classification: Uncertain significance. Last evaluated: 2025-12-27. Review status: criteria provided, single submitter. Criteria: Invitae Variant Classification Sherloc (09022015). Collection method: clinical testing. Allele origin: germline.
Comment: This sequence change replaces threonine, which is neutral and polar, with methionine, which is neutral and non-polar, at codon 278 of the POLE protein (p.Thr278Met). This variant is present in population databases (rs764254754, gnomAD 0.004%). This missense change has been observed in individual(s) with pancreatic ductal adenocarcinoma (PMID: 38350919). ClinVar contains an entry for this variant (Variation ID: 486115). Invitae Evidence Modeling of protein sequence and biophysical properties (such as structural, functional, and spatial information, amino acid conservation, physicochemical variation, residue mobility, and thermodynamic stability) indicates that this missense variant is expected to disrupt POLE protein function with a positive predictive value of 80%. In summary, the available evidence is currently insufficient to determine the role of this variant in disease. Therefore, it has been classified as a Variant of Uncertain Significance.

Ambry Genetics
Classification: Uncertain significance for Hereditary cancer-predisposing syndrome. Last evaluated: 2025-08-18. Review status: criteria provided, single submitter. Criteria: Ambry Variant Classification Scheme 2023. Collection method: clinical testing. Allele origin: germline.
Comment: The p.T278M variant (also known as c.833C>T), located in coding exon 9 of the POLE gene, results from a C to T substitution at nucleotide position 833. The threonine at codon 278 is replaced by methionine, an amino acid with similar properties. This amino acid position is highly conserved in available vertebrate species. In addition, the in silico prediction for this alteration is inconclusive. Based on the available evidence, the clinical significance of this variant remains unclear.

Literature cited by the submitters: PubMed 38219146 (cited by Center for Genomic Medicine, Rigshospitalet, Copenhagen University Hospital); PubMed 30362666 (cited by Center for Genomic Medicine, Rigshospitalet, Copenhagen University Hospital); PubMed 38350919 (cited by Labcorp Genetics (formerly Invitae), Labcorp).

NM_006231.4(POLE):c.833C>T (p.Thr278Met)

Gene: POLE (DNA polymerase epsilon, catalytic subunit; minus strand). Cytogenetic location: 12q24.33.
Variant type: single nucleotide variant.
Coding change: c.833C>T on transcript NM_006231.4 (MANE Select); coding-DNA position 833, C replaced by T.
Protein change: p.Thr278Met; replaces threonine 278 with methionine.
Molecular consequence: missense variant.
Genome position (GRCh38, 1-based): chr12:132,676,622, G>A on the plus strand (C>T on the coding strand, the complement: POLE is on the minus strand). VCF-style: chr12-132676622-G-A. GRCh37 (hg19) VCF-style: chr12-133253208-G-A.
Other names: short protein forms T278M.
Identifiers: ClinVar variation 486115 (VCV000486115.23), dbSNP rs764254754, ClinGen allele CA6894163.
Genomic context (GRCh38, chr12:132,676,622, plus strand): 5'-TAGGAAATCATCATAATCTGGTCTGTCTCAGCATCAGGAAACTTGAGGGGCAGTTTGGTC[G>A]TCTCAATGTCAAATGCCAAAACCACAGGGTCCTGTGGGGACAAAATAAGCATAAAGCCAA-3'
Protein context (NP_006222.2, residues 268-288): DPVVLAFDIE[Thr278Met]TKLPLKFPDA